The following is an entry in ClinVar:

ClinVar aggregate classification (germline): Uncertain significance (1 of 4 stars; one submission).

Submission:

Ambry Genetics
Classification: Uncertain significance. Last evaluated: 2026-04-20. Review status: criteria provided, single submitter. Criteria: Ambry Variant Classification Scheme 2023. Collection method: clinical testing. Allele origin: germline.
Comment: The p.G853V variant (also known as c.2558G>T), located in coding exon 17 of the MYOM1 gene, results from a G to T substitution at nucleotide position 2558. The glycine at codon 853 is replaced by valine, an amino acid with dissimilar properties. This amino acid position is conserved. In addition, the in silico prediction for this alteration is inconclusive. Based on the available evidence, the clinical significance of this variant remains unclear.

NM_003803.4(MYOM1):c.2558G>T (p.Gly853Val)

Gene: MYOM1 (myomesin 1; minus strand). Cytogenetic location: 18p11.31.
Variant type: single nucleotide variant.
Coding change: c.2558G>T on transcript NM_003803.4 (MANE Select); coding-DNA position 2558, G replaced by T.
Protein change: p.Gly853Val; replaces glycine 853 with valine.
Molecular consequence: missense variant. On other transcripts: intron variant (1).
Genome position (GRCh38, 1-based): chr18:3,129,468, C>A on the plus strand (G>T on the coding strand, the complement: MYOM1 is on the minus strand). VCF-style: chr18-3129468-C-A. GRCh37 (hg19) VCF-style: chr18-3129466-C-A.
Other names: c.2506+1907G>T (NM_019856.2); short protein forms G853V.
Identifiers: ClinVar variation 4860678 (VCV004860678.1).
Genomic context (GRCh38, chr18:3,129,468, plus strand): 5'-GCATCTTTCTGGAAGGTTGGCGGGGAGGCTTCATGCACGCGCCCCCTGGAGGCGGTTAGT[C>A]CACCAGGCTCATCGCTCAGTGCGGGACACACATCTGGAGACACTCCTCCCCCTACAGTTG-3'
Protein context (NP_003794.3, residues 843-863): VCPALSDEPG[Gly853Val]LTASRGRVHE